The following is an entry in ClinVar:

ClinVar aggregate classification (germline): Likely benign. Review status: criteria provided, multiple submitters, no conflicts (2 of 4 stars). 3 submissions from 3 submitters: Likely benign (3). Last evaluated 2025-12-24.

Conditions:
Hereditary cancer-predisposing syndrome. Also called: Hereditary neoplastic syndrome; Tumor predisposition; Neoplastic Syndromes, Hereditary; Hereditary Cancer Syndrome. Identifiers: Orphanet 140162, MedGen C0027672, MeSH D009386, MONDO:0015356.
Rhabdoid tumor predisposition syndrome 2 (RTPS2). Identifiers: Orphanet 231108, Orphanet 69077, MedGen C2750074, MONDO:0013224, OMIM 613325.

Allele frequency attached by ClinVar (database versions not stated): gnomAD exomes below 0.00001 and 0.00001; gnomAD 0.00001; TOPMed 0.00001.
gnomAD v4.1: 6 of 1,613,828 alleles (0.00037%); highest among the groups gnomAD compares: Non-Finnish European, 0.00051%; no homozygotes.

Submissions (3):

Labcorp Genetics (formerly Invitae), Labcorp
Classification: Likely benign for Rhabdoid tumor predisposition syndrome 2. Last evaluated: 2025-12-24. Review status: criteria provided, single submitter. Criteria: Invitae Variant Classification Sherloc (09022015). Collection method: clinical testing. Allele origin: germline.

CeGaT Center for Human Genetics Tuebingen
Classification: Likely benign. Last evaluated: 2025-03-01. Review status: criteria provided, single submitter. Criteria: CeGaT Center For Human Genetics Tuebingen Variant Classification Criteria Version 2. Collection method: clinical testing. Allele origin: germline. Affected: yes. Observed: 1 variant allele.
Comment: SMARCA4: BP4, BP7

Ambry Genetics
Classification: Likely benign for Hereditary cancer-predisposing syndrome. Last evaluated: 2017-05-30. Review status: criteria provided, single submitter. Criteria: Ambry Variant Classification Scheme 2023. Collection method: clinical testing. Allele origin: germline.

NM_003072.5(SMARCA4):c.2244T>A (p.Leu748=)

Gene: SMARCA4 (SWI/SNF related BAF chromatin remodeling complex subunit ATPase 4; plus strand). Cytogenetic location: 19p13.2.
Variant type: single nucleotide variant.
Coding change: c.2244T>A on transcript NM_003072.5 (MANE Select); coding-DNA position 2244, T replaced by A.
Protein change: p.Leu748=; no amino-acid change (leucine 748 retained).
Molecular consequence: synonymous variant. On other transcripts: non-coding transcript variant (1).
Genome position (GRCh38, 1-based): chr19:11,010,501, T>A. VCF-style: chr19-11010501-T-A. GRCh37 (hg19) VCF-style: chr19-11121177-T-A.
Other names: c.2244T>A, p.Leu748= (NM_001128844.3, NM_001128845.2, NM_001128846.2 and 5 more transcripts).
Identifiers: ClinVar variation 480680 (VCV000480680.23), dbSNP rs756276556, ClinGen allele CA305263542.